The following is an entry in ClinVar:

NM_000834.5(GRIN2B):c.3383G>A (p.Gly1128Glu)

Gene: GRIN2B (glutamate ionotropic receptor NMDA type subunit 2B; minus strand). Cytogenetic location: 12p13.1.
Variant type: single nucleotide variant.
Coding change: c.3383G>A on transcript NM_000834.5 (MANE Select); coding-DNA position 3383, G replaced by A.
Protein change: p.Gly1128Glu; replaces glycine 1128 with glutamic acid.
Molecular consequence: missense variant.
Genome position (GRCh38, 1-based): chr12:13,563,855, C>T on the plus strand (G>A on the coding strand, the complement: GRIN2B is on the minus strand). VCF-style: chr12-13563855-C-T. GRCh37 (hg19) VCF-style: chr12-13716789-C-T.
Other names: short protein forms G1128E.
Identifiers: ClinVar variation 1044908 (VCV001044908.9), dbSNP rs769658975, ClinGen allele CA383989694.

ClinVar aggregate classification (germline): Uncertain significance (1 of 4 stars; one submission).

Conditions:
Developmental and epileptic encephalopathy, 27 (DEE27). Also called: GRIN2B-Related Neurodevelopmental Disorder; Epileptic encephalopathy, early infantile, 27. Identifiers: Orphanet 3451, MedGen C4015316, MONDO:0014505, OMIM 616139.
Intellectual developmental disorder, autosomal dominant 6, with or without seizures. Also called: Intellectual disability, autosomal dominant 6; GRIN2B-related developmental delay, intellectual disability and autism spectrum disorder. Identifiers: Orphanet 589547, MedGen C3151411, MONDO:0013509, OMIM 613970.

Submission:

Labcorp Genetics (formerly Invitae), Labcorp
Classification: Uncertain significance for Developmental and epileptic encephalopathy, 27; Intellectual developmental disorder, autosomal dominant 6, with or without seizures. Last evaluated: 2020-10-16. Review status: criteria provided, single submitter. Criteria: Invitae Variant Classification Sherloc (09022015). Collection method: clinical testing. Allele origin: germline.
Comment: This sequence change replaces glycine with glutamic acid at codon 1128 of the GRIN2B protein (p.Gly1128Glu). The glycine residue is moderately conserved and there is a moderate physicochemical difference between glycine and glutamic acid. This variant is not present in population databases (ExAC no frequency). This variant has not been reported in the literature in individuals with GRIN2B-related conditions. Advanced modeling of protein sequence and biophysical properties (such as structural, functional, and spatial information, amino acid conservation, physicochemical variation, residue mobility, and thermodynamic stability) performed at Invitae indicates that this missense variant is not expected to disrupt GRIN2B protein function. In summary, the available evidence is currently insufficient to determine the role of this variant in disease. Therefore, it has been classified as a Variant of Uncertain Significance.